The following is an entry in ClinVar:

NM_002900.3(RBP3):c.2095T>C (p.Leu699=)

Gene: RBP3 (retinol binding protein 3; plus strand). Cytogenetic location: 10q11.22.
Variant type: single nucleotide variant.
Coding change: c.2095T>C on transcript NM_002900.3 (MANE Select); coding-DNA position 2095, T replaced by C.
Protein change: p.Leu699=; no amino-acid change (leucine 699 retained).
Molecular consequence: synonymous variant.
Genome position (GRCh38, 1-based): chr10:47,350,579, T>C. VCF-style: chr10-47350579-T-C. GRCh37 (hg19) VCF-style: chr10-48388783-A-G.
Identifiers: ClinVar variation 299971 (VCV000299971.14), dbSNP rs17095789, ClinGen allele CA5487362.

ClinVar aggregate classification (germline): Benign. Review status: criteria provided, multiple submitters, no conflicts (2 of 4 stars). 3 submissions from 3 submitters: Benign (3). Last evaluated 2026-02-03.

Conditions:
Retinitis pigmentosa (RP). Identifiers: Orphanet 791, MedGen C0035334, MeSH D012174, MONDO:0019200, OMIM 268000. Inheritance: Autosomal dominant, autosomal recessive and X linked inheritance.

Allele frequency attached by ClinVar (database versions not stated): gnomAD 0.05718 and 0.06119; ESP Exome Variant Server 0.06190; 1000 Genomes Project 0.06410; TOPMed 0.06512; 1000 Genomes Project 30x 0.06793.
gnomAD v4.1: 17,861 of 1,612,912 alleles (1.1%); highest among the groups gnomAD compares: African/African-American, 20%; 1,587 homozygotes.

Submissions (3):

Labcorp Genetics (formerly Invitae), Labcorp
Classification: Benign. Last evaluated: 2026-02-03. Review status: criteria provided, single submitter. Criteria: Invitae Variant Classification Sherloc (09022015). Collection method: clinical testing. Allele origin: germline.

Illumina Laboratory Services, Illumina
Classification: Benign for Retinitis pigmentosa. Last evaluated: 2018-01-13. Review status: criteria provided, single submitter. Criteria: ICSL Variant Classification Criteria 13 December 2019. Collection method: clinical testing. Allele origin: germline.
Comment: This variant was observed in the ICSL laboratory as part of a predisposition screen in an ostensibly healthy population. It had not been previously curated by ICSL or reported in the Human Gene Mutation Database (HGMD: prior to June 1st, 2018), and was therefore a candidate for classification through an automated scoring system. Utilizing variant allele frequency, disease prevalence and penetrance estimates, and inheritance mode, an automated score was calculated to assess if this variant is too frequent to cause the disease. Based on the score and internal cut-off values, a variant classified as benign is not then subjected to further curation. The score for this variant resulted in a classification of benign for this disease.

Breakthrough Genomics
Classification: Benign. Review status: criteria provided, single submitter. Criteria: ACMG Guidelines, 2015. Collection method: not provided. Allele origin: germline. Inheritance: Autosomal recessive inheritance. Affected: yes.